The following is an entry in ClinVar:

NM_144573.4(NEXN):c.1924C>G (p.Pro642Ala)

Gene: NEXN (nexilin F-actin binding protein; plus strand). Cytogenetic location: 1p31.1.
Variant type: single nucleotide variant.
Coding change: c.1924C>G on transcript NM_144573.4 (MANE Select); coding-DNA position 1924, C replaced by G.
Protein change: p.Pro642Ala; replaces proline 642 with alanine.
Molecular consequence: missense variant.
Genome position (GRCh38, 1-based): chr1:77,942,725, C>G. VCF-style: chr1-77942725-C-G. GRCh37 (hg19) VCF-style: chr1-78408410-C-G.
Other names: c.1732C>G, p.Pro578Ala (NM_001172309.2); short protein forms P642A, P578A.
Identifiers: ClinVar variation 2564022 (VCV002564022.2), dbSNP rs1222507869, ClinGen allele CA340883202.
Genomic context (GRCh38, chr1:77,942,725, plus strand): 5'-CTGCAGGATGGAGAAGACTATCAATATATTGAAAGGGGAGAAACTTACTGCCTTTACTTA[C>G]CAGAAACTTTCCCAGAAGATGGAGGAGAGTATATGTGTAAAGCAGTCAACAATAAAGGAT-3'
Protein context (NP_653174.3, residues 632-652): ERGETYCLYL[Pro642Ala]ETFPEDGGEY

ClinVar aggregate classification (germline): Uncertain significance (1 of 4 stars; one submission).

Conditions:
Cardiovascular phenotype. Identifiers: MedGen CN230736.

gnomAD v4.1: 8 of 1,613,640 alleles (0.0005%); highest among the groups gnomAD compares: South Asian, 0.0066%; no homozygotes.

Submission:

Ambry Genetics
Classification: Uncertain significance for Cardiovascular phenotype. Last evaluated: 2023-06-09. Review status: criteria provided, single submitter. Criteria: Ambry Variant Classification Scheme 2023. Collection method: clinical testing. Allele origin: germline.
Comment: The p.P642A variant (also known as c.1924C>G), located in coding exon 12 of the NEXN gene, results from a C to G substitution at nucleotide position 1924. The proline at codon 642 is replaced by alanine, an amino acid with highly similar properties. This amino acid position is conserved. In addition, the in silico prediction for this alteration is inconclusive. Since supporting evidence is limited at this time, the clinical significance of this alteration remains unclear.